The following is an entry in ClinVar:

ClinVar aggregate classification (germline): Pathogenic (1 of 4 stars; one submission).

Submission:

Labcorp Genetics (formerly Invitae), Labcorp
Classification: Pathogenic. Last evaluated: 2024-02-16. Review status: criteria provided, single submitter. Criteria: Invitae Variant Classification Sherloc (09022015). Collection method: clinical testing. Allele origin: germline.
Comment: This sequence change creates a premature translational stop signal (p.Val328Leufs*25) in the SKIV2L gene. It is expected to result in an absent or disrupted protein product. Loss-of-function variants in SKIV2L are known to be pathogenic (PMID: 22444670). This variant is not present in population databases (gnomAD no frequency). This variant has not been reported in the literature in individuals affected with SKIV2L-related conditions. For these reasons, this variant has been classified as Pathogenic.

Literature cited by the submitters: PubMed 22444670.

NM_006929.5(SKIC2):c.982_985del (p.Val328fs)

Genes: SKIC2 (SKI2 subunit of superkiller complex; plus strand), LOC126859653 (CDK7 strongly-dependent group 2 enhancer GRCh37_chr6:31929542-31930741; plus strand). Cytogenetic location: 6p21.33.
Variant type: Deletion.
Coding change: c.982_985del on transcript NM_006929.5 (MANE Select); coding-DNA positions 982 to 985, 4 bases deleted (GTCT; older notation c.982_985delGTCT).
Protein change: p.Val328fs; shifts the reading frame from valine 328.
Molecular consequence: frameshift variant.
Genome position (GRCh38, 1-based): chr6:31,961,972-31,961,975, GTCT deleted; deleting any 4 consecutive bases within chr6:31,961,969-31,961,975 gives the same sequence; the c. name uses the placement nearest the transcript's 3' end. VCF-style (leftmost placement, unchanged base first): chr6-31961968-CTCTG-C. GRCh37 (hg19) VCF-style: chr6-31929745-CTCTG-C.
Other names: short protein forms V328fs.
Identifiers: ClinVar variation 3009738 (VCV003009738.3), dbSNP rs2482914494, ClinGen allele CA2578573205.
Genomic context (GRCh38, chr6:31,961,968, plus strand): 5'-GTGGGCATTTGAGCCAGATGTGTTTCAGAAACAGGCCATCCTGCACTTGGAACGGCATGA[CTCTG>C]TCTTTGTCGCAGCTCACACATCTGCAGGAAAAACAGTTGTGGCTGAATATGCCATTGCCC-3'